The following is an entry in ClinVar:

ClinVar aggregate classification (germline): Uncertain significance (1 of 4 stars; one submission).

Submission:

Labcorp Genetics (formerly Invitae), Labcorp
Classification: Uncertain significance. Last evaluated: 2024-02-18. Review status: criteria provided, single submitter. Criteria: Invitae Variant Classification Sherloc (09022015). Collection method: clinical testing. Allele origin: germline.
Comment: This sequence change replaces threonine, which is neutral and polar, with isoleucine, which is neutral and non-polar, at codon 759 of the ARHGEF1 protein (p.Thr759Ile). This variant is not present in population databases (gnomAD no frequency). This variant has not been reported in the literature in individuals affected with ARHGEF1-related conditions. An algorithm developed to predict the effect of missense changes on protein structure and function (PolyPhen-2) suggests that this variant is likely to be disruptive. In summary, the available evidence is currently insufficient to determine the role of this variant in disease. Therefore, it has been classified as a Variant of Uncertain Significance.

NM_004706.4(ARHGEF1):c.2231C>T (p.Thr744Ile)

Gene: ARHGEF1 (Rho guanine nucleotide exchange factor 1; plus strand). Cytogenetic location: 19q13.2.
Variant type: single nucleotide variant.
Coding change: c.2231C>T on transcript NM_004706.4 (MANE Select); coding-DNA position 2231, C replaced by T.
Protein change: p.Thr744Ile; replaces threonine 744 with isoleucine.
Molecular consequence: missense variant. On other transcripts: non-coding transcript variant (2).
Genome position (GRCh38, 1-based): chr19:41,905,018, C>T. VCF-style: chr19-41905018-C-T. GRCh37 (hg19) VCF-style: chr19-42409170-C-T.
Other names: c.2231C>T, p.Thr744Ile (NM_001396003.1, NM_001396006.1); c.2132C>T, p.Thr711Ile (NM_001396004.1, NM_198977.2, NM_001396002.1); c.2276C>T, p.Thr759Ile (NM_199002.2); c.2399C>T, p.Thr800Ile (NM_001396000.1); short protein forms T759I, T800I, T744I, T711I.
Identifiers: ClinVar variation 3641917 (VCV003641917.2).